The following is an entry in ClinVar:

NM_013372.7(GREM1):c.322T>A (p.Cys108Ser)

Gene: GREM1 (gremlin 1, DAN family BMP antagonist; plus strand). Cytogenetic location: 15q13.3.
Variant type: single nucleotide variant.
Coding change: c.322T>A on transcript NM_013372.7 (MANE Select); coding-DNA position 322, T replaced by A.
Protein change: p.Cys108Ser; replaces cysteine 108 with serine.
Molecular consequence: missense variant.
Genome position (GRCh38, 1-based): chr15:32,731,012, T>A. VCF-style: chr15-32731012-T-A. GRCh37 (hg19) VCF-style: chr15-33023213-T-A.
Other names: c.112T>A, p.Cys38Ser (NM_001191322.2); c.199T>A, p.Cys67Ser (NM_001191323.2); c.322T>A, p.Cys108Ser (NM_001368719.1); short protein forms C108S, C38S, C67S.
Identifiers: ClinVar variation 1729186 (VCV001729186.2), dbSNP rs2548707812, ClinGen allele CA391557682.

ClinVar aggregate classification (germline): Uncertain significance (1 of 4 stars; one submission).

Conditions:
Hereditary cancer-predisposing syndrome. Also called: Tumor predisposition; Neoplastic Syndromes, Hereditary; Hereditary Cancer Syndrome; Hereditary neoplastic syndrome. Identifiers: Orphanet 140162, MedGen C0027672, MeSH D009386, MONDO:0015356.

Allele frequency attached by ClinVar (database versions not stated): gnomAD exomes below 0.00001.
gnomAD v4.1: 1 of 1,614,198 alleles (0.000062%); highest among the groups gnomAD compares: Non-Finnish European, 0.000085%; no homozygotes.

Submission:

Ambry Genetics
Classification: Uncertain significance for Hereditary cancer-predisposing syndrome. Last evaluated: 2022-10-07. Review status: criteria provided, single submitter. Criteria: Ambry Variant Classification Scheme 2023. Collection method: clinical testing. Allele origin: germline.
Comment: The p.C108S variant (also known as c.322T>A), located in coding exon 1 of the GREM1 gene, results from a T to A substitution at nucleotide position 322. The cysteine at codon 108 is replaced by serine, an amino acid with dissimilar properties. This amino acid position is conserved. In addition, this alteration is predicted to be deleterious by in silico analysis. Since supporting evidence is limited at this time, the clinical significance of this alteration remains unclear.